The following is an entry in ClinVar:

NM_003718.5(CDK13):c.2781-14T>G

Gene: CDK13 (cyclin dependent kinase 13; plus strand). Cytogenetic location: 7p14.1.
Variant type: single nucleotide variant.
Coding change: c.2781-14T>G on transcript NM_003718.5 (MANE Select); 14 bases into the intron before coding-DNA position 2781, T replaced by G.
Molecular consequence: intron variant.
Genome position (GRCh38, 1-based): chr7:40,077,991, T>G. VCF-style: chr7-40077991-T-G. GRCh37 (hg19) VCF-style: chr7-40117590-T-G.
Other names: c.2781-14T>G (NM_031267.3).
Identifiers: ClinVar variation 4530678 (VCV004530678.1).

ClinVar aggregate classification (germline): Uncertain significance (1 of 4 stars; one submission).

Conditions:
Cardiomyopathy (CMYO). Also called: Cardiomyopathies. Identifiers: Orphanet 167848, MedGen C0878544, MONDO:0004994, HP:0001638. Inheritance: Various modes of inheritance.

Submission:

Petrovsky National Research Centre of Surgery, The Federal Agency for Scientific Organizations
Classification: Uncertain significance for Cardiomyopathy. Last evaluated: 2025-11-18. Review status: criteria provided, single submitter. Criteria: ACMG Guidelines, 2015. Collection method: clinical testing. Allele origin: germline. Affected: yes.
Comment: The variant is absent from The Genome Aggregation Database (gnomAD v4.1.0), supporting PM2. Computational tools predict a possible effect on splicing, supporting PP3. In accordance with ACMG (2015) criteria, this variant is classified as Variant of Uncertain Significance (Class III) with the following criteria applied: PM2, PP3.